The following is an entry in ClinVar:

NM_003000.3(SDHB):c.425A>G (p.Asp142Gly)

Gene: SDHB (succinate dehydrogenase complex iron sulfur subunit B; minus strand). Cytogenetic location: 1p36.13.
Variant type: single nucleotide variant.
Coding change: c.425A>G on transcript NM_003000.3 (MANE Select); coding-DNA position 425, A replaced by G.
Protein change: p.Asp142Gly; replaces aspartic acid 142 with glycine.
Molecular consequence: missense variant.
Genome position (GRCh38, 1-based): chr1:17,027,864, T>C on the plus strand (A>G on the coding strand, the complement: SDHB is on the minus strand). VCF-style: chr1-17027864-T-C. GRCh37 (hg19) VCF-style: chr1-17354359-T-C.
Other names: short protein forms D142G.
Identifiers: ClinVar variation 1451060 (VCV001451060.19), dbSNP rs759709073, ClinGen allele CA338273506.

ClinVar aggregate classification (germline): Uncertain significance. Review status: criteria provided, multiple submitters, no conflicts (2 of 4 stars). 3 submissions from 3 submitters: Uncertain significance (3). Last evaluated 2026-04-02.

Conditions:
Gastrointestinal stromal tumor. Also called: Gastrointestinal stroma tumor; Gastrointestinal stromal tumor, somatic. Identifiers: Orphanet 44890, MedGen C0238198, MeSH D046152, MONDO:0011719, OMIM 606764, HP:0100723.
Pheochromocytoma/paraganglioma syndrome 4. Also called: CAROTID BODY TUMORS AND MULTIPLE EXTRAADRENAL PHEOCHROMOCYTOMAS; SDHB-Related Hereditary Paraganglioma-Pheochromocytoma Syndrome; PARAGANGLIOMA, FAMILIAL MALIGNANT; PARAGANGLIOMAS, HEREDITARY EXTRAADRENAL; PHEOCHROMOCYTOMA, FAMILIAL EXTRAADRENAL; Paragangliomas 4. Identifiers: Orphanet 29072, MedGen C1861848, MONDO:0007273, OMIM 115310.
Pheochromocytoma. Also called: MAX-Related Hereditary Paraganglioma-Pheochromocytoma Syndrome. Identifiers: Orphanet 29072, MedGen C0031511, MONDO:0008233, OMIM 171300, HP:0002666.
Hereditary pheochromocytoma and paraganglioma. Also called: Hereditary pheochromocytoma-paraganglioma; Hereditary paragangliomas and pheochromocytomas; Hereditary Paraganglioma-Pheochromocytoma Syndromes. Identifiers: Orphanet 29072, MedGen C4274332, MONDO:0017366.
Hereditary cancer-predisposing syndrome. Also called: Hereditary neoplastic syndrome; Tumor predisposition; Hereditary Cancer Syndrome; Neoplastic Syndromes, Hereditary. Identifiers: Orphanet 140162, MedGen C0027672, MeSH D009386, MONDO:0015356.

Allele frequency attached by ClinVar (database versions not stated): gnomAD exomes below 0.00001.
gnomAD v4.1: 2 of 1,556,348 alleles (0.00013%); highest among the groups gnomAD compares: Non-Finnish European, 0.00018%; no homozygotes.

Submissions (3):

Ambry Genetics
Classification: Uncertain significance for Hereditary cancer-predisposing syndrome. Last evaluated: 2026-04-02. Review status: criteria provided, single submitter. Criteria: Ambry Variant Classification Scheme 2023. Collection method: clinical testing. Allele origin: germline.
Comment: The p.D142G variant (also known as c.425A>G), located in coding exon 5 of the SDHB gene, results from an A to G substitution at nucleotide position 425. The aspartic acid at codon 142 is replaced by glycine, an amino acid with similar properties. This amino acid position is highly conserved in available vertebrate species. In addition, this alteration is predicted to be deleterious by in silico analysis. Based on the available evidence, the clinical significance of this variant remains unclear.

Labcorp Genetics (formerly Invitae), Labcorp
Classification: Uncertain significance for Gastrointestinal stromal tumor; Pheochromocytoma/paraganglioma syndrome 4; Pheochromocytoma. Last evaluated: 2023-11-15. Review status: criteria provided, single submitter. Criteria: Invitae Variant Classification Sherloc (09022015). Collection method: clinical testing. Allele origin: germline.
Comment: This sequence change replaces aspartic acid, which is acidic and polar, with glycine, which is neutral and non-polar, at codon 142 of the SDHB protein (p.Asp142Gly). This variant is not present in population databases (gnomAD no frequency). This variant has not been reported in the literature in individuals affected with SDHB-related conditions. ClinVar contains an entry for this variant (Variation ID: 1451060). An algorithm developed to predict the effect of missense changes on protein structure and function (PolyPhen-2) suggests that this variant is likely to be disruptive. In summary, the available evidence is currently insufficient to determine the role of this variant in disease. Therefore, it has been classified as a Variant of Uncertain Significance.

All of Us Research Program, National Institutes of Health
Classification: Uncertain significance for Hereditary pheochromocytoma and paraganglioma. Last evaluated: 2023-07-10. Review status: criteria provided, single submitter. Criteria: ACMG Guidelines, 2015. Collection method: clinical testing. Allele origin: germline. Inheritance: Autosomal dominant inheritance. Observed: 1 variant allele, 1 heterozygote.
Comment: This missense variant replaces aspartic acid with glycine at codon 142 of the SDHB protein. Computational prediction suggests that this variant may have deleterious impact on protein structure and function (internally defined REVEL score threshold >= 0.7, PMID: 27666373). To our knowledge, functional studies have not been reported for this variant. This variant has not been reported in individuals affected with SDHB-related disorders in the literature. This variant has not been identified in the general population by the Genome Aggregation Database (gnomAD). The available evidence is insufficient to determine the role of this variant in disease conclusively. Therefore, this variant is classified as a Variant of Uncertain Significance.

This study involves interpretation of variants in research participants for the purpose of population health screening. Participant phenotype was not available at the time of variant classification. Additional details can be found in publication PMID: 35346344, PMCID: PMC8962531